The following is an entry in ClinVar:

NM_004260.4(RECQL4):c.3112C>T (p.Arg1038Cys)

Gene: RECQL4 (RecQ like helicase 4; minus strand). Cytogenetic location: 8q24.3.
Variant type: single nucleotide variant.
Coding change: c.3112C>T on transcript NM_004260.4 (MANE Select); coding-DNA position 3112, C replaced by T.
Protein change: p.Arg1038Cys; replaces arginine 1038 with cysteine.
Molecular consequence: missense variant.
Genome position (GRCh38, 1-based): chr8:144,512,268, G>A on the plus strand (C>T on the coding strand, the complement: RECQL4 is on the minus strand). VCF-style: chr8-144512268-G-A. GRCh37 (hg19) VCF-style: chr8-145737651-G-A.
Other names: short protein forms R1038C.
Identifiers: ClinVar variation 406958 (VCV000406958.9), dbSNP rs763078132, ClinGen allele CA4947926.

ClinVar aggregate classification (germline): Uncertain significance. Review status: criteria provided, multiple submitters, no conflicts (2 of 4 stars). 3 submissions from 3 submitters: Uncertain significance (3). Last evaluated 2024-06-03.

Conditions:
Baller-Gerold syndrome (BGS). Also called: CRANIOSYNOSTOSIS WITH RADIAL DEFECTS. Identifiers: Orphanet 1225, MedGen C0265308, MONDO:0009039, OMIM 218600.
Rapadilino syndrome. Identifiers: Orphanet 3021, MedGen C1849453, MONDO:0009955, OMIM 266280.
Rothmund-Thomson syndrome type 2 (RTS2). Identifiers: Orphanet 221016, MedGen C5203410, MONDO:0016369, OMIM 268400.

Allele frequency attached by ClinVar (database versions not stated): TOPMed 0.00001; gnomAD exomes 0.00004 and 0.00013; gnomAD 0.00006; ExAC 0.00013.

Submissions (3):

Labcorp Genetics (formerly Invitae), Labcorp
Classification: Uncertain significance for Baller-Gerold syndrome. Last evaluated: 2024-06-03. Review status: criteria provided, single submitter. Criteria: Invitae Variant Classification Sherloc (09022015). Collection method: clinical testing. Allele origin: germline.
Comment: This sequence change replaces arginine, which is basic and polar, with cysteine, which is neutral and slightly polar, at codon 1038 of the RECQL4 protein (p.Arg1038Cys). This variant is present in population databases (rs763078132, gnomAD 0.1%). This variant has not been reported in the literature in individuals affected with RECQL4-related conditions. ClinVar contains an entry for this variant (Variation ID: 406958). Advanced modeling of protein sequence and biophysical properties (such as structural, functional, and spatial information, amino acid conservation, physicochemical variation, residue mobility, and thermodynamic stability) performed at Invitae indicates that this missense variant is not expected to disrupt RECQL4 protein function with a negative predictive value of 80%. Algorithms developed to predict the effect of sequence changes on RNA splicing suggest that this variant may disrupt the consensus splice site. In summary, the available evidence is currently insufficient to determine the role of this variant in disease. Therefore, it has been classified as a Variant of Uncertain Significance.

Fulgent Genetics
Classification: Uncertain significance for Baller-Gerold syndrome; Rapadilino syndrome; Rothmund-Thomson syndrome type 2. Last evaluated: 2022-05-18. Review status: criteria provided, single submitter. Criteria: ACMG Guidelines, 2015. Collection method: clinical testing. Allele origin: unknown.

Department of Pathology and Laboratory Medicine, Sinai Health System
Classification: Uncertain significance for Baller-Gerold syndrome; Rapadilino syndrome; Rothmund-Thomson syndrome type 2. Last evaluated: 2021-07-30. Review status: criteria provided, single submitter. Criteria: ACMG Guidelines, 2015. Collection method: research. Allele origin: germline.